The following is an entry in ClinVar:

ClinVar aggregate classification (germline): Pathogenic. Review status: criteria provided, multiple submitters, no conflicts (2 of 4 stars). 4 submissions from 4 submitters: Pathogenic (3). 1 of the submissions does not count toward it. Last evaluated 2025-04-12.

Conditions:
Neurodevelopmental abnormality. Identifiers: MedGen C4022737, HP:0012759.
Inborn genetic diseases. Identifiers: MedGen C0950123, MeSH D030342.
Radio-Tartaglia syndrome. Identifiers: Orphanet 662234, MedGen C5543339, MONDO:0859143, OMIM 619312.

Submissions (4):

Department of Medical Genetics, International Peace Maternity and Child Health Hospital, Shanghai Jiao Tong University School of Medicine
Classification: Pathogenic for Radio-Tartaglia syndrome. Last evaluated: 2025-04-12. Review status: criteria provided, single submitter. Criteria: ACMG Guidelines, 2015. Collection method: clinical testing. Allele origin: maternal. Inheritance: Autosomal dominant inheritance. Affected: yes. Observed: 1 heterozygote.
Comment: The c.2417_2418dup variant has not been included in gnomAD database (PM2_Supporting). This frameshift variant is located near the C-terminus of the protein, and is therefore predicted to induce nonsense-mediated mRNA decay (PVS1). In addition, the patient's phenotype is highly consistent with those reported in the literature (PP4).Therefore, this variant is classified as pathogenic.

Ambry Genetics
Classification: Pathogenic for Inborn genetic diseases. Last evaluated: 2025-03-17. Review status: criteria provided, single submitter. Criteria: Ambry Variant Classification Scheme 2023. Collection method: clinical testing. Allele origin: germline.
Comment: The c.2417_2418dupGA (p.R807Dfs*3) alteration, located in exon 11 (coding exon 11) of the SPEN gene, consists of a duplication of GA at position 2417, causing a translational frameshift with a predicted alternate stop codon after 3 amino acids. This alteration is expected to result in loss of function by premature protein truncation or nonsense-mediated mRNA decay. This variant was not reported in population-based cohorts in the Genome Aggregation Database (gnomAD). Based on the available evidence, this alteration is classified as pathogenic.

GeneDx
Classification: Pathogenic. Last evaluated: 2024-11-14. Review status: criteria provided, single submitter. Criteria: GeneDx Variant Classification Process June 2021. Collection method: clinical testing. Allele origin: germline. Affected: yes.
Comment: Frameshift variant predicted to result in protein truncation or nonsense mediated decay in a gene for which loss-of-function is a known mechanism of disease; Not observed at significant frequency in large population cohorts (gnomAD); Has not been previously published as pathogenic or benign to our knowledge

Department of Genetics, Rouen University Hospital, Normandy Center for Genomic and Personalized Medicine
Classification: Uncertain significance for Neurodevelopmental abnormality. Last evaluated: 2020-09-23. Review status: no assertion criteria provided. Collection method: clinical testing. Allele origin: unknown. Affected: yes. Not counted in ClinVar's aggregate classification.

NM_015001.3(SPEN):c.2417_2418dup (p.Arg807fs)

Gene: SPEN (spen family transcriptional repressor; plus strand). Cytogenetic location: 1p36.13.
Variant type: Microsatellite.
Coding change: c.2417_2418dup on transcript NM_015001.3 (MANE Select); coding-DNA positions 2417 to 2418, 2 bases duplicated (GA; older notation c.2417_2418dupGA).
Protein change: p.Arg807fs; shifts the reading frame from arginine 807.
Molecular consequence: frameshift variant.
Genome position (GRCh38, 1-based): chr1:15,928,657-15,928,658, GA duplicated; duplicating any 2 consecutive bases within chr1:15,928,647-15,928,658 gives the same sequence; the c. name uses the placement nearest the transcript's 3' end. VCF-style (leftmost placement, unchanged base first): chr1-15928646-G-GGA. GRCh37 (hg19) VCF-style: chr1-16255141-G-GGA.
Other names: c.2417_2418dupGA (NM_015001.2); c.2417_2418dup (NM_015001.2); short protein forms R807fs.
Identifiers: ClinVar variation 984592 (VCV000984592.5), dbSNP rs764595221, ClinGen allele CA645512374.
Genomic context (GRCh38, chr1:15,928,646, plus strand): 5'-GGAGCGCTATACAAAAAATGAAAAGACAGATAAAGAACGAACTTTTGATCCGGAGAGAGT[G>GGA]GAGAGAGAGAGACGCTTAATACGGAAGGAAAAAGTGGAAAAGGACAAAACTGACAAGCAG-3'